The following is an entry in ClinVar:

NM_030777.4(SLC2A10):c.1456G>A (p.Ala486Thr)

Gene: SLC2A10 (solute carrier family 2 member 10; plus strand). Cytogenetic location: 20q13.12.
Variant type: single nucleotide variant.
Coding change: c.1456G>A on transcript NM_030777.4 (MANE Select); coding-DNA position 1456, G replaced by A.
Protein change: p.Ala486Thr; replaces alanine 486 with threonine.
Molecular consequence: missense variant.
Genome position (GRCh38, 1-based): chr20:46,729,397, G>A. VCF-style: chr20-46729397-G-A. GRCh37 (hg19) VCF-style: chr20-45358036-G-A.
Other names: short protein forms A486T.
Identifiers: ClinVar variation 424566 (VCV000424566.7), dbSNP rs759205774, ClinGen allele CA9892224.
Genomic context (GRCh38, chr20:46,729,397, plus strand): 5'-GCCCTCCTGTTTCCAGGCACCATCGGCTTGTCCTGGACCTTCCTGCTCTACGGACTGACC[G>A]CTGTCCTCGGCCTGGGCTTCATCTATTTATTTGTTCCTGAAACAAAAGGCCAGTCGTTGG-3'
Protein context (NP_110404.1, residues 476-496): SWTFLLYGLT[Ala486Thr]VLGLGFIYLF

ClinVar aggregate classification (germline): Uncertain significance. Review status: criteria provided, multiple submitters, no conflicts (2 of 4 stars). 4 submissions from 4 submitters: Uncertain significance (4). Last evaluated 2024-11-15.

Conditions:
Arterial tortuosity syndrome (ATORS). Identifiers: Orphanet 3342, MedGen C1859726, MONDO:0008818, OMIM 208050.
Familial thoracic aortic aneurysm and aortic dissection (TAAD). Also called: Thoracic aortic aneurysms and dissections. Identifiers: Orphanet 91387, MedGen C4707243, MONDO:0019625.

Allele frequency attached by ClinVar (database versions not stated): TOPMed 0.00001.

Submissions (4):

Ambry Genetics
Classification: Uncertain significance for Familial thoracic aortic aneurysm and aortic dissection. Last evaluated: 2024-11-15. Review status: criteria provided, single submitter. Criteria: Ambry Variant Classification Scheme 2023. Collection method: clinical testing. Allele origin: germline.
Comment: The p.A486T variant (also known as c.1456G>A), located in coding exon 4 of the SLC2A10 gene, results from a G to A substitution at nucleotide position 1456. The alanine at codon 486 is replaced by threonine, an amino acid with similar properties. This amino acid position is not well conserved in available vertebrate species. In addition, the in silico prediction for this alteration is inconclusive. Based on the available evidence, the clinical significance of this variant remains unclear.

Labcorp Genetics (formerly Invitae), Labcorp
Classification: Uncertain significance for Arterial tortuosity syndrome. Last evaluated: 2023-10-03. Review status: criteria provided, single submitter. Criteria: Invitae Variant Classification Sherloc (09022015). Collection method: clinical testing. Allele origin: germline.
Comment: This sequence change replaces alanine, which is neutral and non-polar, with threonine, which is neutral and polar, at codon 486 of the SLC2A10 protein (p.Ala486Thr). This variant is present in population databases (rs759205774, gnomAD 0.006%). This variant has not been reported in the literature in individuals affected with SLC2A10-related conditions. ClinVar contains an entry for this variant (Variation ID: 424566). Advanced modeling of protein sequence and biophysical properties (such as structural, functional, and spatial information, amino acid conservation, physicochemical variation, residue mobility, and thermodynamic stability) has been performed at Invitae for this missense variant, however the output from this modeling did not meet the statistical confidence thresholds required to predict the impact of this variant on SLC2A10 protein function. In summary, the available evidence is currently insufficient to determine the role of this variant in disease. Therefore, it has been classified as a Variant of Uncertain Significance.

Fulgent Genetics
Classification: Uncertain significance for Arterial tortuosity syndrome. Last evaluated: 2018-10-31. Review status: criteria provided, single submitter. Criteria: ACMG Guidelines, 2015. Collection method: clinical testing. Allele origin: unknown.

GeneDx
Classification: Uncertain significance. Last evaluated: 2017-03-30. Review status: criteria provided, single submitter. Criteria: GeneDx Variant Classification (06012015). Collection method: clinical testing. Allele origin: germline. Affected: yes.
Comment: The A486T variant has not beenpublished as pathogenic or been reported as benign to our knowledge. It is not observed at a significant frequency inlarge population cohorts (Lek et al., 2016; 1000 Genomes Consortium et al., 2015; Exome Variant Server). TheA486T variant is a non-conservative amino acid substitution, which is likely to impact secondary protein structure asthese residues differ in polarity, charge, size and/or other properties. In addition, this substitution occurs at a positionwhere amino acids with similar properties to alanine are tolerated across species. Nonetheless, in silico analysisis inconsistent in its predictions as to whether or not the variant is damaging to the protein structure/function.